The following is an entry in ClinVar:

ClinVar aggregate classification (germline): Likely benign. Review status: criteria provided, multiple submitters, no conflicts (2 of 4 stars). 2 submissions from 2 submitters: Likely benign (2). Last evaluated 2025-07-09.

Conditions:
Ullrich congenital muscular dystrophy 2 (UCMD2). Identifiers: Orphanet 75840, MedGen C4225314, MONDO:0014654, OMIM 616470.
Bethlem myopathy 2 (BTHLM2). Identifiers: Orphanet 536516, Orphanet 610, MedGen C4225313, MONDO:0034022, OMIM 616471.
COL12A1-related disorder. Also called: COL12A1-related condition.

Allele frequency attached by ClinVar (database versions not stated): TOPMed 0.00002; ESP Exome Variant Server 0.00017.
gnomAD v4.1: 18 of 1,611,040 alleles (0.0011%); highest among the groups gnomAD compares: East Asian, 0.0022%; no homozygotes.

Submissions (2):

Labcorp Genetics (formerly Invitae), Labcorp
Classification: Likely benign for Bethlem myopathy 2; Ullrich congenital muscular dystrophy 2. Last evaluated: 2025-07-09. Review status: criteria provided, single submitter. Criteria: Invitae Variant Classification Sherloc (09022015). Collection method: clinical testing. Allele origin: germline.

PreventionGenetics, part of Exact Sciences
Classification: Likely benign for COL12A1-related condition. Last evaluated: 2025-05-07. Review status: criteria provided, single submitter. Criteria: ACMG Guidelines, 2015. Collection method: clinical testing. Allele origin: germline.
Comment: This variant is classified as likely benign based on ACMG/AMP sequence variant interpretation guidelines (Richards et al. 2015 PMID: 25741868, with internal and published modifications).

NM_004370.6(COL12A1):c.6378C>T (p.Asp2126=)

Gene: COL12A1 (collagen type XII alpha 1 chain; minus strand). Cytogenetic location: 6q13.
Variant type: single nucleotide variant.
Coding change: c.6378C>T on transcript NM_004370.6 (MANE Select); coding-DNA position 6378, C replaced by T.
Protein change: p.Asp2126=; no amino-acid change (aspartic acid 2126 retained).
Molecular consequence: synonymous variant.
Genome position (GRCh38, 1-based): chr6:75,126,433, G>A on the plus strand (C>T on the coding strand, the complement: COL12A1 is on the minus strand). VCF-style: chr6-75126433-G-A. GRCh37 (hg19) VCF-style: chr6-75836149-G-A.
Other names: c.2886C>T, p.Asp962= (NM_080645.3).
Identifiers: ClinVar variation 757276 (VCV000757276.11), dbSNP rs371734128, ClinGen allele CA140984259.
Genomic context (GRCh38, chr6:75,126,433, plus strand): 5'-ATATCCAAGAACTGGAGAAGGTGAAGGATCCCAGGACACCCTGAATCTTGTATACCATTC[G>A]TCAGAGATGTGTATGTTCTGAGGAGGAAGGAGTCCCACTGAAAACAAACATTGACACACA-3'
Protein context (NP_004361.3, residues 2116-2136): LLPPQNIHIS[Asp2126=]EWYTRFRVSW